The following is an entry in ClinVar:

NM_000038.6(APC):c.152T>A (p.Leu51Gln)

Gene: APC (APC regulator of Wnt signaling pathway; plus strand). Cytogenetic location: 5q22.2.
Variant type: single nucleotide variant.
Coding change: c.152T>A on transcript NM_000038.6 (MANE Select); coding-DNA position 152, T replaced by A.
Protein change: p.Leu51Gln; replaces leucine 51 with glutamine.
Molecular consequence: missense variant. On other transcripts: 5 prime UTR variant (4).
Genome position (GRCh38, 1-based): chr5:112,766,342, T>A. VCF-style: chr5-112766342-T-A. GRCh37 (hg19) VCF-style: chr5-112102039-T-A.
Other names: c.152T>A, p.Leu51Gln (NM_001127510.3, NM_001354895.2, NM_001354896.2 and 2 more transcripts); c.182T>A, p.Leu61Gln (NM_001127511.3, NM_001354897.2, NM_001354902.2); c.77T>A, p.Leu26Gln (NM_001354898.2, NM_001354904.2); c.-26T>A (NM_001354900.2, NM_001354901.2, NM_001354905.2); c.-884T>A (NM_001354906.2); short protein forms L51Q, L61Q, L26Q.
Identifiers: ClinVar variation 836341 (VCV000836341.11), dbSNP rs1756317618, ClinGen allele CA16021678.

ClinVar aggregate classification (germline): Uncertain significance (1 of 4 stars; one submission).

Conditions:
Familial adenomatous polyposis 1 (FAP1). Also called: POLYPOSIS, ADENOMATOUS INTESTINAL; FAMILIAL ADENOMATOUS POLYPOSIS 1, ATTENUATED. Identifiers: MedGen C2713442, MONDO:0021056, OMIM 175100. Disease mechanism: loss of function.

Submission:

Labcorp Genetics (formerly Invitae), Labcorp
Classification: Uncertain significance for Familial adenomatous polyposis 1. Last evaluated: 2019-03-27. Review status: criteria provided, single submitter. Criteria: Invitae Variant Classification Sherloc (09022015). Collection method: clinical testing. Allele origin: germline.
Comment: This variant is not present in population databases (ExAC no frequency). In summary, the available evidence is currently insufficient to determine the role of this variant in disease. Therefore, it has been classified as a Variant of Uncertain Significance. Algorithms developed to predict the effect of missense changes on protein structure and function are either unavailable or do not agree on the potential impact of this missense change (SIFT: "Deleterious"; PolyPhen-2: "Probably Damaging"; Align-GVGD: "Class C0"). This variant has not been reported in the literature in individuals with APC-related conditions. This sequence change replaces leucine with glutamine at codon 51 of the APC protein (p.Leu51Gln). The leucine residue is highly conserved and there is a moderate physicochemical difference between leucine and glutamine.